The following is an entry in ClinVar:

ClinVar aggregate classification (germline): Conflicting classifications of pathogenicity. Review status: criteria provided, conflicting classifications (1 of 4 stars). 3 submissions from 3 submitters: Likely pathogenic (1); Uncertain significance (1). 1 of the submissions does not count toward it. Last evaluated 2022-05-15.

Conditions:
X-linked agammaglobulinemia with growth hormone deficiency (IGHD3). Also called: HYPOGAMMAGLOBULINEMIA AND ISOLATED GROWTH HORMONE DEFICIENCY, X-LINKED; IGHD III; ISOLATED GROWTH HORMONE DEFICIENCY, TYPE III, WITH AGAMMAGLOBULINEMIA; Isolated growth hormone deficiency type 3; Growth hormone deficiency with hypogammaglobulinemia; AGAMMAGLOBULINEMIA AND ISOLATED GROWTH HORMONE DEFICIENCY, X-LINKED. Identifiers: Orphanet 231692, Orphanet 631, MedGen C0472813, MONDO:0010615, OMIM 307200.
X-linked agammaglobulinemia (XLA). Also called: Agammaglobulinemia, Bruton tyrosine kinase; Agammaglobulinemia, BTK; BTK-deficiency; Bruton's agammaglobulinemia; IMMUNODEFICIENCY 1; Bruton-type agammaglobulinemia. Identifiers: Orphanet 229717, Orphanet 47, MedGen C0221026, MONDO:0010421, OMIM 300755.

Submissions (3):

Labcorp Genetics (formerly Invitae), Labcorp
Classification: Uncertain significance for X-linked agammaglobulinemia with growth hormone deficiency. Last evaluated: 2022-05-15. Review status: criteria provided, single submitter. Criteria: Invitae Variant Classification Sherloc (09022015). Collection method: clinical testing. Allele origin: germline.
Comment: In summary, the available evidence is currently insufficient to determine the role of this variant in disease. Therefore, it has been classified as a Variant of Uncertain Significance. Advanced modeling of protein sequence and biophysical properties (such as structural, functional, and spatial information, amino acid conservation, physicochemical variation, residue mobility, and thermodynamic stability) performed at Invitae indicates that this missense variant is expected to disrupt BTK protein function. ClinVar contains an entry for this variant (Variation ID: 35766). This variant has not been reported in the literature in individuals affected with BTK-related conditions. This variant is not present in population databases (gnomAD no frequency). This sequence change replaces histidine, which is basic and polar, with arginine, which is basic and polar, at codon 333 of the BTK protein (p.His333Arg).

Women's Health and Genetics/Laboratory Corporation of America, LabCorp
Classification: Likely pathogenic for X-linked Agammaglobulinemia. Last evaluated: 2011-08-18. Review status: criteria provided, single submitter. Criteria: LabCorp Variant Classification Summary - May 2015. Collection method: curation, clinical testing. Allele origin: germline. Inheritance: Xlinked unknown. Affected: yes.
ClinVar note: Converted during submission from likely pathogenic to Likely pathogenic.

Institute of Medical Genetics and Genomics, Sir Ganga Ram Hospital
Classification: Pathogenic for X-linked agammaglobulinemia. Last evaluated: 2022-05-10. Review status: no assertion criteria provided. Collection method: clinical testing. Allele origin: germline. Inheritance: X-linked recessive inheritance. Affected: yes. Observed: 1 hemizygote. Not counted in ClinVar's aggregate classification.
Comment: The novel variant c.998A>G (p.His333Arg) has not been observed in gnomAD and 1000g. In-silico bioinformatic software predict this variant by mutation taster as Disease causing. Based on the phenotypic observation we classify this variant as pathogenic variant.

NM_000061.3(BTK):c.998A>G (p.His333Arg)

Gene: BTK (Bruton tyrosine kinase; minus strand). Cytogenetic location: Xq22.1.
Variant type: single nucleotide variant.
Coding change: c.998A>G on transcript NM_000061.3 (MANE Select); coding-DNA position 998, A replaced by G.
Protein change: p.His333Arg; replaces histidine 333 with arginine.
Molecular consequence: missense variant.
Genome position (GRCh38, 1-based): chrX:101,358,414, T>C on the plus strand (A>G on the coding strand, the complement: BTK is on the minus strand). VCF-style: chrX-101358414-T-C. GRCh37 (hg19) VCF-style: chrX-100613402-T-C.
Other names: c.1100A>G, p.His367Arg (NM_001287344.2); c.998A>G, p.His333Arg (NM_001287345.2); short protein forms H333R, H367R.
Identifiers: ClinVar variation 35766 (VCV000035766.11), dbSNP rs193922133, ClinGen allele CA260199.